The following is an entry in ClinVar:

ClinVar aggregate classification (germline): Uncertain significance (1 of 4 stars; one submission).

Conditions:
RYR1-related disorder. Also called: RYR1-related condition; RYR1-related disorders. Identifiers: MedGen CN239331.

Submission:

Labcorp Genetics (formerly Invitae), Labcorp
Classification: Uncertain significance for RYR1-related disorder. Last evaluated: 2021-10-21. Review status: criteria provided, single submitter. Criteria: Invitae Variant Classification Sherloc (09022015). Collection method: clinical testing. Allele origin: germline.
Comment: This variant has not been reported in the literature in individuals affected with RYR1-related conditions. In summary, the available evidence is currently insufficient to determine the role of this variant in disease. Therefore, it has been classified as a Variant of Uncertain Significance. Variants that disrupt the consensus splice site are a relatively common cause of aberrant splicing (PMID: 17576681, 9536098). Algorithms developed to predict the effect of sequence changes on RNA splicing suggest that this variant may disrupt the consensus splice site. This variant is not present in population databases (gnomAD no frequency). This sequence change falls in intron 64 of the RYR1 gene. It does not directly change the encoded amino acid sequence of the RYR1 protein. It affects a nucleotide within the consensus splice site.

Literature cited by the submitters: PubMed 17576681; PubMed 9536098.

NM_000540.3(RYR1):c.9554+3A>C

Gene: RYR1 (ryanodine receptor 1; plus strand). Cytogenetic location: 19q13.2.
Variant type: single nucleotide variant.
Coding change: c.9554+3A>C on transcript NM_000540.3 (MANE Select); 3 bases into the intron after coding-DNA position 9554, A replaced by C.
Molecular consequence: intron variant.
Genome position (GRCh38, 1-based): chr19:38,515,110, A>C. VCF-style: chr19-38515110-A-C. GRCh37 (hg19) VCF-style: chr19-39005750-A-C.
Other names: c.9554+3A>C (NM_001042723.2).
Identifiers: ClinVar variation 1375046 (VCV001375046.6), dbSNP rs2145673303, ClinGen allele CA2573156301.